The following is an entry in ClinVar:

ClinVar aggregate classification (germline): Uncertain significance (1 of 4 stars; one submission).

Conditions:
Juvenile polyposis/hereditary hemorrhagic telangiectasia syndrome (JPHT). Also called: Juvenile Polyposis Syndrome / Hereditary Hemorrhagic Telangiectasia (JPS/HHT); JP/HHT SYNDROME; JUVENILE POLYPOSIS WITH HEREDITARY HEMORRHAGIC TELANGIECTASIA; POLYPOSIS, GENERALIZED JUVENILE, WITH PULMONARY ARTERIOVENOUS MALFORMATION; TELANGIECTASIA, HEREDITARY HEMORRHAGIC, WITH JUVENILE POLYPOSIS COLI. Identifiers: Orphanet 2929, MedGen C1832942, MONDO:0008278, OMIM 175050.

Submission:

All of Us Research Program, National Institutes of Health
Classification: Uncertain significance for Juvenile polyposis/hereditary hemorrhagic telangiectasia syndrome. Last evaluated: 2023-11-02. Review status: criteria provided, single submitter. Criteria: ACMG Guidelines, 2015. Collection method: clinical testing. Allele origin: germline. Inheritance: Autosomal dominant inheritance. Observed: 1 variant allele, 1 heterozygote.
Comment: This missense variant replaces glycine with arginine at codon 299 of the SMAD4 protein. Computational prediction suggests that this variant may not impact protein structure and function (internally defined REVEL score threshold <= 0.5, PMID: 27666373). To our knowledge, functional studies have not been reported for this variant. This variant has not been reported in individuals affected with SMAD4-related disorders in the literature. This variant has not been identified in the general population by the Genome Aggregation Database (gnomAD). The available evidence is insufficient to determine the role of this variant in disease conclusively. Therefore, this variant is classified as a Variant of Uncertain Significance.

This study involves interpretation of variants in research participants for the purpose of population health screening. Participant phenotype was not available at the time of variant classification. Additional details can be found in publication PMID: 35346344, PMCID: PMC8962531

NM_005359.6(SMAD4):c.895G>C (p.Gly299Arg)

Gene: SMAD4 (SMAD family member 4; plus strand). Cytogenetic location: 18q21.2.
Variant type: single nucleotide variant.
Coding change: c.895G>C on transcript NM_005359.6 (MANE Select); coding-DNA position 895, G replaced by C.
Protein change: p.Gly299Arg; replaces glycine 299 with arginine.
Molecular consequence: missense variant. On other transcripts: non-coding transcript variant (2).
Genome position (GRCh38, 1-based): chr18:51,058,447, G>C. VCF-style: chr18-51058447-G-C. GRCh37 (hg19) VCF-style: chr18-48584817-G-C.
Other names: c.895G>C, p.Gly299Arg (NM_001407041.1, NM_001407042.1, NM_001407043.1); short protein forms G299R.
Identifiers: ClinVar variation 3074396 (VCV003074396.1), dbSNP rs1330888967, ClinGen allele CA402463602.